The following is an entry in ClinVar:

NM_000132.4(F8):c.1202G>A (p.Trp401Ter)

Gene: F8 (coagulation factor VIII; minus strand). Cytogenetic location: Xq28.
Variant type: single nucleotide variant.
Coding change: c.1202G>A on transcript NM_000132.4 (MANE Select); coding-DNA position 1202, G replaced by A.
Protein change: p.Trp401Ter; replaces tryptophan 401 with a stop codon.
Molecular consequence: nonsense.
Genome position (GRCh38, 1-based): chrX:154,966,495, C>T on the plus strand (G>A on the coding strand, the complement: F8 is on the minus strand). VCF-style: chrX-154966495-C-T. GRCh37 (hg19) VCF-style: chrX-154194770-C-T.
Other names: short protein forms W401*.
Identifiers: ClinVar variation 993720 (VCV000993720.8), dbSNP rs2073424782, ClinGen allele CA414916170.
Genomic context (GRCh38, chrX:154,966,495, plus strand): 5'-GGGGCGAGGACTAAGGGAGCATAGTCCCAGTCCTCCTCTTCAGCAGCAATGTAATGTACC[C>T]AAGTTTTAGGATGCTTCTTGGCAACTGAGCGAATTTGGATAAAGGAAGGAGAGTTGTCAT-3'

ClinVar aggregate classification (germline): Pathogenic (1 of 4 stars; one submission).

Conditions:
Hereditary factor VIII deficiency disease (HEMA). Also called: AUTOSOMAL HEMOPHILIA A; Hemophilia A, congenital; HEM A; Factor 8 deficiency, congenital; HEMOPHILIA, CLASSIC; Hemophilia A. Identifiers: Orphanet 98878, MedGen C0019069, MONDO:0010602, OMIM 306700.

Submission:

ARUP Laboratories, Molecular Genetics and Genomics, ARUP Laboratories
Classification: Pathogenic for Hereditary factor VIII deficiency disease. Last evaluated: 2020-07-20. Review status: criteria provided, single submitter. Criteria: ARUP Molecular Germline Variant Investigation Process. Collection method: clinical testing. Allele origin: germline.
Comment: The F8 c.1202G>A; p.Trp401Ter variant is reported in an individual affected with hemophilia A with negligible F8 activity (see link to F8 database). This variant is absent from general population databases (Exome Variant Server, Genome Aggregation Database), indicating it is not a common polymorphism. This variant induces an early termination codon and is predicted to result in a truncated protein or mRNA subject to nonsense-mediated decay. Additionally, another variant leading to the same nonsense change (c.1203G>A; p.Trp401Ter) has been reported in individuals with hemophilia A and is considered disease-causing (Ahmed 2005, see linked to F8 database). Based on available information, the c.1202G>A; p.Trp401Ter variant is considered to be pathogenic. References: Link to F8 database: Ahmed RP et al. Identification of 32 novel mutations in the factor VIII gene in Indian patients with hemophilia A. Haematologica. 2005;90(2):283-284.